The following is an entry in ClinVar:

ClinVar aggregate classification (germline): Pathogenic (0 of 4 stars; one submission).

Conditions:
Chronic progressive multiple sclerosis. Identifiers: MedGen C0393665, MONDO:0005284.

Submission:

Demyelinating Disease Laboratories, VA Medical Center and University of Tennessee
Classification: Pathogenic. Review status: no assertion criteria provided. Collection method: not provided. Allele origin: somatic.
ClinVar note: Converted during submission from pathogenic to Pathogenic.

NM_031157.4(HNRNPA1):c.997T>C (p.Phe333Leu)

Gene: HNRNPA1 (heterogeneous nuclear ribonucleoprotein A1; plus strand). Cytogenetic location: 12q13.13.
Variant type: single nucleotide variant.
Coding change: c.997T>C on transcript NM_031157.4 (MANE Select); coding-DNA position 997, T replaced by C.
Protein change: p.Phe333Leu; replaces phenylalanine 333 with leucine.
Molecular consequence: missense variant. On other transcripts: non-coding transcript variant (1).
Genome position (GRCh38, 1-based): chr12:54,283,901, T>C. VCF-style: chr12-54283901-T-C. GRCh37 (hg19) VCF-style: chr12-54677685-T-C.
Other names: c.841T>C, p.Phe281Leu (NM_002136.4); short protein forms F333L, F281L.
Identifiers: ClinVar variation 135600 (VCV000135600.2), dbSNP rs483353031, ClinGen allele CA163059.